The following is an entry in ClinVar:

ClinVar aggregate classification (germline): Uncertain significance (1 of 4 stars; one submission).

Conditions:
Norman-Roberts syndrome (LIS2). Also called: Lissencephaly 2 (Norman-Roberts type). Identifiers: Orphanet 89844, MedGen C0796089, MONDO:0009760, OMIM 257320.
Familial temporal lobe epilepsy 7. Identifiers: Orphanet 101046, MedGen C4225327, MONDO:0014639, OMIM 616436.

Allele frequency attached by ClinVar (database versions not stated): gnomAD exomes below 0.00001.
gnomAD v4.1: 2 of 1,614,086 alleles (0.00012%); highest among the groups gnomAD compares: African/African-American, 0.0027%; no homozygotes.

Submission:

Labcorp Genetics (formerly Invitae), Labcorp
Classification: Uncertain significance for Familial temporal lobe epilepsy 7; Norman-Roberts syndrome. Last evaluated: 2023-07-30. Review status: criteria provided, single submitter. Criteria: Invitae Variant Classification Sherloc (09022015). Collection method: clinical testing. Allele origin: germline.
Comment: This variant is not present in population databases (gnomAD no frequency). This variant has not been reported in the literature in individuals affected with RELN-related conditions. Advanced modeling of protein sequence and biophysical properties (such as structural, functional, and spatial information, amino acid conservation, physicochemical variation, residue mobility, and thermodynamic stability) performed at Invitae indicates that this missense variant is not expected to disrupt RELN protein function. In summary, the available evidence is currently insufficient to determine the role of this variant in disease. Therefore, it has been classified as a Variant of Uncertain Significance. This sequence change replaces aspartic acid, which is acidic and polar, with asparagine, which is neutral and polar, at codon 2665 of the RELN protein (p.Asp2665Asn).

NM_005045.4(RELN):c.7993G>A (p.Asp2665Asn)

Gene: RELN (reelin; minus strand). Cytogenetic location: 7q22.1.
Variant type: single nucleotide variant.
Coding change: c.7993G>A on transcript NM_005045.4 (MANE Select); coding-DNA position 7993, G replaced by A.
Protein change: p.Asp2665Asn; replaces aspartic acid 2665 with asparagine.
Molecular consequence: missense variant.
Genome position (GRCh38, 1-based): chr7:103,515,311, C>T on the plus strand (G>A on the coding strand, the complement: RELN is on the minus strand). VCF-style: chr7-103515311-C-T. GRCh37 (hg19) VCF-style: chr7-103155758-C-T.
Other names: c.7993G>A, p.Asp2665Asn (NM_173054.3); short protein forms D2665N.
Identifiers: ClinVar variation 2936556 (VCV002936556.3), dbSNP rs906561086, ClinGen allele CA163924500.